The following is an entry in ClinVar:

NM_016373.4(WWOX):c.938C>G (p.Pro313Arg)

Gene: WWOX (WW domain containing oxidoreductase; plus strand). Cytogenetic location: 16q23.1.
Variant type: single nucleotide variant.
Coding change: c.938C>G on transcript NM_016373.4 (MANE Select); coding-DNA position 938, C replaced by G.
Protein change: p.Pro313Arg; replaces proline 313 with arginine.
Molecular consequence: missense variant.
Genome position (GRCh38, 1-based): chr16:78,432,634, C>G. VCF-style: chr16-78432634-C-G. GRCh37 (hg19) VCF-style: chr16-78466531-C-G.
Other names: c.599C>G, p.Pro200Arg (NM_001291997.2); short protein forms P200R, P313R.
Identifiers: ClinVar variation 2080488 (VCV002080488.1), dbSNP rs2083252221, ClinGen allele CA396843314.

ClinVar aggregate classification (germline): Uncertain significance (1 of 4 stars; one submission).

Conditions:
Autosomal recessive spinocerebellar ataxia 12. Also called: SPINOCEREBELLAR ATAXIA WITH MENTAL RETARDATION AND EPILEPSY. Identifiers: Orphanet 284282, MedGen C3280452, MONDO:0013687, OMIM 614322.
Developmental and epileptic encephalopathy, 1 (DEE1). Also called: X-linked infantile spasms; West's syndrome; Tonic spasms with clustering, arrest of psychomotor development and hypsarrhythmia on EEG; X-Linked Infantile Spasm Syndrome; Epileptic encephalopathy, early infantile, 1; OHTAHARA SYNDROME, X-LINKED. Identifiers: MedGen C3463992, MONDO:0010632, OMIM 308350. Disease mechanism: loss of function.

Allele frequency attached by ClinVar (database versions not stated): TOPMed below 0.00001.

Submission:

Labcorp Genetics (formerly Invitae), Labcorp
Classification: Uncertain significance for Developmental and epileptic encephalopathy, 1; Autosomal recessive spinocerebellar ataxia 12. Last evaluated: 2021-09-17. Review status: criteria provided, single submitter. Criteria: Invitae Variant Classification Sherloc (09022015). Collection method: clinical testing. Allele origin: germline.
Comment: This sequence change replaces proline with arginine at codon 313 of the WWOX protein (p.Pro313Arg). The proline residue is moderately conserved and there is a moderate physicochemical difference between proline and arginine. This variant is not present in population databases (ExAC no frequency). This variant has not been reported in the literature in individuals with WWOX-related conditions. Algorithms developed to predict the effect of missense changes on protein structure and function are either unavailable or do not agree on the potential impact of this missense change (SIFT: "Not Available"; PolyPhen-2: "Benign"; Align-GVGD: "Not Available"). In summary, the available evidence is currently insufficient to determine the role of this variant in disease. Therefore, it has been classified as a Variant of Uncertain Significance.